The following is an entry in ClinVar:

ClinVar aggregate classification (germline): Pathogenic/Likely pathogenic. Review status: criteria provided, multiple submitters, no conflicts (2 of 4 stars). 2 submissions from 2 submitters: Pathogenic (1); Likely pathogenic (1). Last evaluated 2021-03-01.

Conditions:
Marfan syndrome (MFS). Also called: Marfan syndrome, classic; FBN1-Related Marfan Syndrome; Marfan syndrome type 1; Marfan's syndrome; MARFAN SYNDROME, TYPE I. Identifiers: Orphanet 284963, Orphanet 558, MedGen C0024796, MONDO:0007947, OMIM 154700.

Submissions (2):

Centre of Medical Genetics, University of Antwerp
Classification: Pathogenic for Marfan syndrome. Last evaluated: 2021-03-01. Review status: criteria provided, single submitter. Criteria: Submitter's publication. Collection method: research. Allele origin: unknown. Affected: yes.
Comment: PM2, PVS1, PP4

Laboratory for Molecular Medicine, Mass General Brigham Personalized Medicine
Classification: Likely pathogenic for Marfan syndrome. Last evaluated: 2008-08-29. Review status: criteria provided, single submitter. Criteria: LMM Criteria. Collection method: clinical testing. Allele origin: germline. Observed: 1 variant allele.

Literature cited by the submitters: PubMed 11453977 (cited by Laboratory for Molecular Medicine, Mass General Brigham Personalized Medicine).

NM_000138.5(FBN1):c.5066del (p.Asp1689fs)

Gene: FBN1 (fibrillin 1; minus strand). Cytogenetic location: 15q21.1.
Variant type: Deletion.
Coding change: c.5066del on transcript NM_000138.5 (MANE Select); coding-DNA position 5066, one base deleted (A; older notation c.5066delA).
Protein change: p.Asp1689fs; shifts the reading frame from aspartic acid 1689.
Molecular consequence: frameshift variant.
Genome position (GRCh38, 1-based): chr15:48,463,240, T deleted on the plus strand (A on the coding strand, the reverse complement: FBN1 is on the minus strand). VCF-style (leftmost placement, unchanged base first): chr15-48463239-AT-A. GRCh37 (hg19) VCF-style: chr15-48755436-AT-A.
Other names: c.5066delA (NM_000138.4); short protein forms D1689fs.
Identifiers: ClinVar variation 177833 (VCV000177833.20), dbSNP rs727504347, ClinGen allele CA015603.